The following is an entry in ClinVar:

ClinVar aggregate classification (germline): Likely benign (0 of 4 stars; one submission).

Conditions:
ITSN1-related disorder. Also called: ITSN1-related condition.

Allele frequency attached by ClinVar (database versions not stated): TOPMed 0.00003; gnomAD 0.00005; gnomAD exomes 0.00008; ExAC 0.00010.
gnomAD v4.1: 124 of 1,613,642 alleles (0.0077%); highest among the groups gnomAD compares: South Asian, 0.03%; no homozygotes.

Submission:

PreventionGenetics, part of Exact Sciences
Classification: Likely benign for ITSN1-related condition. Last evaluated: 2022-10-17. Review status: no assertion criteria provided. Collection method: clinical testing. Allele origin: germline.
Comment: This variant is classified as likely benign based on ACMG/AMP sequence variant interpretation guidelines (Richards et al. 2015 PMID: 25741868, with internal and published modifications).

NM_003024.3(ITSN1):c.3513C>T (p.Asp1171=)

Gene: ITSN1 (intersectin 1; plus strand). Cytogenetic location: 21q22.11.
Variant type: single nucleotide variant.
Coding change: c.3513C>T on transcript NM_003024.3 (MANE Select); coding-DNA position 3513, C replaced by T.
Protein change: p.Asp1171=; no amino-acid change (aspartic acid 1171 retained).
Molecular consequence: synonymous variant.
Genome position (GRCh38, 1-based): chr21:33,836,484, C>T. VCF-style: chr21-33836484-C-T. GRCh37 (hg19) VCF-style: chr21-35208788-C-T.
Other names: c.3513C>T, p.Asp1171= (NM_001001132.2); c.3300C>T, p.Asp1100= (NM_001331008.2); c.3498C>T, p.Asp1166= (NM_001331009.2, NM_001331010.2); c.3285C>T, p.Asp1095= (NM_001331011.2); c.3387C>T, p.Asp1129= (NM_001331012.2).
Identifiers: ClinVar variation 3047589 (VCV003047589.2), dbSNP rs749442387, ClinGen allele CA10012179.